The following is an entry in ClinVar:

NM_018706.7(DHTKD1):c.1472A>G (p.His491Arg)

Gene: DHTKD1 (dehydrogenase E1 and transketolase domain containing 1; plus strand). Cytogenetic location: 10p14.
Variant type: single nucleotide variant.
Coding change: c.1472A>G on transcript NM_018706.7 (MANE Select); coding-DNA position 1472, A replaced by G.
Protein change: p.His491Arg; replaces histidine 491 with arginine.
Molecular consequence: missense variant.
Genome position (GRCh38, 1-based): chr10:12,097,797, A>G. VCF-style: chr10-12097797-A-G. GRCh37 (hg19) VCF-style: chr10-12139796-A-G.
Other names: short protein forms H491R.
Identifiers: ClinVar variation 4739298 (VCV004739298.1).

ClinVar aggregate classification (germline): Uncertain significance (1 of 4 stars; one submission).

Conditions:
2-aminoadipic 2-oxoadipic aciduria (AAKAD). Also called: Aminoadipic aciduria; ALPHA-AMINOADIPIC AND ALPHA-KETOADIPIC ACIDURIA. Identifiers: Orphanet 79154, MedGen C1859817, MONDO:0008774, OMIM 204750.

gnomAD v4.1: 3 of 1,614,104 alleles (0.00019%); highest among the groups gnomAD compares: Non-Finnish European, 0.00025%; no homozygotes.

Submission:

Labcorp Genetics (formerly Invitae), Labcorp
Classification: Uncertain significance for 2-aminoadipic 2-oxoadipic aciduria. Last evaluated: 2025-12-22. Review status: criteria provided, single submitter. Criteria: Invitae Variant Classification Sherloc (09022015). Collection method: clinical testing. Allele origin: germline.
Comment: This sequence change replaces histidine, which is basic and polar, with arginine, which is basic and polar, at codon 491 of the DHTKD1 protein (p.His491Arg). This variant is present in population databases (no rsID available, gnomAD 0.006%). This variant has not been reported in the literature in individuals affected with DHTKD1-related conditions. Invitae Evidence Modeling of protein sequence and biophysical properties (such as structural, functional, and spatial information, amino acid conservation, physicochemical variation, residue mobility, and thermodynamic stability) indicates that this missense variant is not expected to disrupt DHTKD1 protein function with a negative predictive value of 80%. In summary, the available evidence is currently insufficient to determine the role of this variant in disease. Therefore, it has been classified as a Variant of Uncertain Significance.